The following is an entry in ClinVar:

NM_001429.4(EP300):c.457A>G (p.Met153Val)

Gene: EP300 (EP300 lysine acetyltransferase; plus strand). Cytogenetic location: 22q13.2.
Variant type: single nucleotide variant.
Coding change: c.457A>G on transcript NM_001429.4 (MANE Select); coding-DNA position 457, A replaced by G.
Protein change: p.Met153Val; replaces methionine 153 with valine.
Molecular consequence: missense variant.
Genome position (GRCh38, 1-based): chr22:41,117,549, A>G. VCF-style: chr22-41117549-A-G. GRCh37 (hg19) VCF-style: chr22-41513553-A-G.
Other names: c.457A>G, p.Met153Val (NM_001362843.2); c.457A>G (NM_001429.3); short protein forms M153V.
Identifiers: ClinVar variation 2052288 (VCV002052288.19), dbSNP rs777895834, ClinGen allele CA10252255.

ClinVar aggregate classification (germline): Likely benign. Review status: criteria provided, multiple submitters, no conflicts (2 of 4 stars). 3 submissions from 3 submitters: Likely benign (3). Last evaluated 2025-02-27.

Conditions:
EP300-related disorder. Also called: EP300-related disorders; EP300-related condition.
Rubinstein-Taybi syndrome due to EP300 haploinsufficiency. Also called: RUBINSTEIN-TAYBI SYNDROME 2; EP300-Related Rubinstein-Taybi Syndrome. Identifiers: Orphanet 353284, Orphanet 783, MedGen C3150941, MONDO:0013364, OMIM 613684.

Allele frequency attached by ClinVar (database versions not stated): ExAC 0.00001; gnomAD 0.00001; TOPMed 0.00001; gnomAD exomes 0.00002.

Submissions (3):

PreventionGenetics, part of Exact Sciences
Classification: Likely benign for EP300-related condition. Last evaluated: 2025-02-27. Review status: criteria provided, single submitter. Criteria: ACMG Guidelines, 2015. Collection method: clinical testing. Allele origin: germline.
Comment: This variant is classified as likely benign based on ACMG/AMP sequence variant interpretation guidelines (Richards et al. 2015 PMID: 25741868, with internal and published modifications).

CeGaT Center for Human Genetics Tuebingen
Classification: Likely benign. Last evaluated: 2024-10-01. Review status: criteria provided, single submitter. Criteria: CeGaT Center For Human Genetics Tuebingen Variant Classification Criteria Version 2. Collection method: clinical testing. Allele origin: germline. Affected: yes. Observed: 1 variant allele.
Comment: EP300: BP4, BS2

Labcorp Genetics (formerly Invitae), Labcorp
Classification: Likely benign for Rubinstein-Taybi syndrome due to EP300 haploinsufficiency. Last evaluated: 2022-10-09. Review status: criteria provided, single submitter. Criteria: Invitae Variant Classification Sherloc (09022015). Collection method: clinical testing. Allele origin: germline.